The following is an entry in ClinVar:

ClinVar aggregate classification (germline): Uncertain significance (1 of 4 stars; one submission).

Allele frequency attached by ClinVar (database versions not stated): gnomAD exomes below 0.00001.

Submission:

Ambry Genetics
Classification: Uncertain significance. Last evaluated: 2024-02-25. Review status: criteria provided, single submitter. Criteria: Ambry Variant Classification Scheme 2023. Collection method: clinical testing. Allele origin: germline.
Comment: The p.R306H variant (also known as c.917G>A), located in coding exon 2 of the EGLN2 gene, results from a G to A substitution at nucleotide position 917. The arginine at codon 306 is replaced by histidine, an amino acid with highly similar properties. This amino acid position is conserved. In addition, this alteration is predicted to be deleterious by in silico analysis. Since supporting evidence is limited at this time, the clinical significance of this alteration remains unclear.

NM_080732.4(EGLN2):c.917G>A (p.Arg306His)

Genes: EGLN2 (egl-9 family hypoxia inducible factor 2; plus strand), RAB4B-EGLN2 (RAB4B-EGLN2 readthrough (NMD candidate); plus strand). Cytogenetic location: 19q13.2.
Variant type: single nucleotide variant.
Coding change: c.917G>A on transcript NM_080732.4 (MANE Select); coding-DNA position 917, G replaced by A.
Protein change: p.Arg306His; replaces arginine 306 with histidine.
Molecular consequence: missense variant. On other transcripts: non-coding transcript variant (1).
Genome position (GRCh38, 1-based): chr19:40,806,628, G>A. VCF-style: chr19-40806628-G-A. GRCh37 (hg19) VCF-style: chr19-41312533-G-A.
Other names: c.917G>A, p.Arg306His (NM_053046.4); short protein forms R306H.
Identifiers: ClinVar variation 1766074 (VCV001766074.2), dbSNP rs2516006513, ClinGen allele CA405956263.